The following is an entry in ClinVar:

NM_001370259.2(MEN1):c.1045C>A (p.Gln349Lys)

Gene: MEN1 (menin 1; minus strand). Cytogenetic location: 11q13.1.
Variant type: single nucleotide variant.
Coding change: c.1045C>A on transcript NM_001370259.2 (MANE Select); coding-DNA position 1045, C replaced by A.
Protein change: p.Gln349Lys; replaces glutamine 349 with lysine.
Molecular consequence: missense variant. On other transcripts: non-coding transcript variant (4).
Genome position (GRCh38, 1-based): chr11:64,806,236, G>T on the plus strand (C>A on the coding strand, the complement: MEN1 is on the minus strand). VCF-style: chr11-64806236-G-T. GRCh37 (hg19) VCF-style: chr11-64573708-G-T.
Other names: c.1060C>A, p.Gln354Lys (NM_000244.4, NM_001407145.1, NM_001407150.1 and 5 more transcripts); c.1045C>A, p.Gln349Lys (NM_001370251.2, NM_001370260.2, NM_001370261.2 and 7 more transcripts); c.940C>A, p.Gln314Lys (NM_001370262.2, NM_001370263.2, NM_001407148.1 and 2 more transcripts); short protein forms Q354K, Q349K, Q314K.
Identifiers: ClinVar variation 4106558 (VCV004106558.1).
Genomic context (GRCh38, chr11:64,806,236, plus strand): 5'-AAACTGATGGAGGGGAAGAAAGGACAGGCTGCAGGCCCTAGTAGGGGGATCCTCACTCCT[G>T]GATGACAGTGGCCGTGTCCGCCCAGGCCTGCAGGGCTTCCCGCACATTGCGGTTGCGACA-3'
Protein context (NP_001357188.2, residues 339-359): QAWADTATVI[Gln349Lys]DYNYCREDEE

ClinVar aggregate classification (germline): Uncertain significance (1 of 4 stars; one submission).

Conditions:
Hereditary cancer-predisposing syndrome. Also called: Tumor predisposition; Neoplastic Syndromes, Hereditary; Hereditary neoplastic syndrome; Hereditary Cancer Syndrome. Identifiers: Orphanet 140162, MedGen C0027672, MeSH D009386, MONDO:0015356.

Submission:

Ambry Genetics
Classification: Uncertain significance for Hereditary cancer-predisposing syndrome. Last evaluated: 2025-06-18. Review status: criteria provided, single submitter. Criteria: Ambry Variant Classification Scheme 2023. Collection method: clinical testing. Allele origin: germline.
Comment: The p.Q349K variant (also known as c.1045C>A), located in coding exon 6 of the MEN1 gene, results from a C to A substitution at nucleotide position 1045. The glutamine at codon 349 is replaced by lysine, an amino acid with similar properties. This amino acid position is conserved. In addition, the in silico prediction for this alteration is inconclusive. Based on the available evidence, the clinical significance of this variant remains unclear.